The following is an entry in ClinVar:

NM_000812.4(GABRB1):c.1412A>G (p.Tyr471Cys)

Gene: GABRB1 (gamma-aminobutyric acid type A receptor subunit beta1; plus strand). Cytogenetic location: 4p12.
Variant type: single nucleotide variant.
Coding change: c.1412A>G on transcript NM_000812.4 (MANE Select); coding-DNA position 1412, A replaced by G.
Protein change: p.Tyr471Cys; replaces tyrosine 471 with cysteine.
Molecular consequence: missense variant.
Genome position (GRCh38, 1-based): chr4:47,426,005, A>G. VCF-style: chr4-47426005-A-G. GRCh37 (hg19) VCF-style: chr4-47428022-A-G.
Other names: short protein forms Y471C.
Identifiers: ClinVar variation 1439185 (VCV001439185.8), dbSNP rs2109342114, ClinGen allele CA356767974.

ClinVar aggregate classification (germline): Uncertain significance (1 of 4 stars; one submission).

Submission:

Labcorp Genetics (formerly Invitae), Labcorp
Classification: Uncertain significance. Last evaluated: 2021-03-26. Review status: criteria provided, single submitter. Criteria: Invitae Variant Classification Sherloc (09022015). Collection method: clinical testing. Allele origin: germline.
Comment: This sequence change replaces tyrosine with cysteine at codon 471 of the GABRB1 protein (p.Tyr471Cys). The tyrosine residue is highly conserved and there is a large physicochemical difference between tyrosine and cysteine. This variant is not present in population databases (ExAC no frequency). This variant has not been reported in the literature in individuals with GABRB1-related conditions. Advanced modeling of protein sequence and biophysical properties (such as structural, functional, and spatial information, amino acid conservation, physicochemical variation, residue mobility, and thermodynamic stability) performed at Invitae indicates that this missense variant is expected to disrupt GABRB1 protein function. In summary, the available evidence is currently insufficient to determine the role of this variant in disease. Therefore, it has been classified as a Variant of Uncertain Significance.